The following is an entry in ClinVar:

ClinVar aggregate classification (germline): Conflicting classifications of pathogenicity. Review status: criteria provided, conflicting classifications (1 of 4 stars). 2 submissions from 2 submitters: Likely pathogenic (1); Uncertain significance (1). Last evaluated 2022-12-07.

Conditions:
Mitochondrial DNA depletion syndrome 9 (MTDPS9). Also called: SUCLG1-Related Mitochondrial DNA Depletion Syndrome, Encephalomyopathic Form with Methylmalonic Aciduria. Identifiers: Orphanet 17, MedGen C3151476, MONDO:0009504, OMIM 245400.

Submissions (2):

Institute of Medical Genetics and Applied Genomics, University Hospital Tübingen
Classification: Likely pathogenic for Mitochondrial DNA depletion syndrome 9. Last evaluated: 2022-12-07. Review status: criteria provided, single submitter. Criteria: ACMG Guidelines, 2015. Collection method: clinical testing. Allele origin: germline. Inheritance: Autosomal recessive inheritance. Affected: yes.

Labcorp Genetics (formerly Invitae), Labcorp
Classification: Uncertain significance for Mitochondrial DNA depletion syndrome 9. Last evaluated: 2022-03-19. Review status: criteria provided, single submitter. Criteria: Invitae Variant Classification Sherloc (09022015). Collection method: clinical testing. Allele origin: germline.
Comment: This variant is not present in population databases (gnomAD no frequency). This sequence change replaces leucine, which is neutral and non-polar, with arginine, which is basic and polar, at codon 240 of the SUCLG1 protein (p.Leu240Arg). In summary, the available evidence is currently insufficient to determine the role of this variant in disease. Therefore, it has been classified as a Variant of Uncertain Significance. Algorithms developed to predict the effect of missense changes on protein structure and function (SIFT, PolyPhen-2, Align-GVGD) all suggest that this variant is likely to be disruptive. This variant has not been reported in the literature in individuals affected with SUCLG1-related conditions.

NM_003849.4(SUCLG1):c.719T>G (p.Leu240Arg)

Gene: SUCLG1 (succinate-CoA ligase GDP/ADP-forming subunit alpha; minus strand). Cytogenetic location: 2p11.2.
Variant type: single nucleotide variant.
Coding change: c.719T>G on transcript NM_003849.4 (MANE Select); coding-DNA position 719, T replaced by G.
Protein change: p.Leu240Arg; replaces leucine 240 with arginine.
Molecular consequence: missense variant.
Genome position (GRCh38, 1-based): chr2:84,431,614, A>C on the plus strand (T>G on the coding strand, the complement: SUCLG1 is on the minus strand). VCF-style: chr2-84431614-A-C. GRCh37 (hg19) VCF-style: chr2-84658738-A-C.
Other names: short protein forms L240R.
Identifiers: ClinVar variation 1802144 (VCV001802144.6), dbSNP rs2468618218, ClinGen allele CA347515105.